The following is an entry in ClinVar:

ClinVar aggregate classification (germline): Uncertain significance (1 of 4 stars; one submission).

Submission:

Labcorp Genetics (formerly Invitae), Labcorp
Classification: Uncertain significance. Last evaluated: 2024-03-04. Review status: criteria provided, single submitter. Criteria: Invitae Variant Classification Sherloc (09022015). Collection method: clinical testing. Allele origin: germline.
Comment: This sequence change replaces leucine, which is neutral and non-polar, with valine, which is neutral and non-polar, at codon 303 of the CHUK protein (p.Leu303Val). This variant is not present in population databases (gnomAD no frequency). This variant has not been reported in the literature in individuals affected with CHUK-related conditions. ClinVar contains an entry for this variant (Variation ID: 1346871). An algorithm developed to predict the effect of missense changes on protein structure and function (PolyPhen-2) suggests that this variant is likely to be tolerated. In summary, the available evidence is currently insufficient to determine the role of this variant in disease. Therefore, it has been classified as a Variant of Uncertain Significance.

NM_001278.5(CHUK):c.907T>G (p.Leu303Val)

Gene: CHUK (component of inhibitor of nuclear factor kappa B kinase complex; minus strand). Cytogenetic location: 10q24.31.
Variant type: single nucleotide variant.
Coding change: c.907T>G on transcript NM_001278.5 (MANE Select); coding-DNA position 907, T replaced by G.
Protein change: p.Leu303Val; replaces leucine 303 with valine.
Molecular consequence: missense variant.
Genome position (GRCh38, 1-based): chr10:100,218,021, A>C on the plus strand (T>G on the coding strand, the complement: CHUK is on the minus strand). VCF-style: chr10-100218021-A-C. GRCh37 (hg19) VCF-style: chr10-101977778-A-C.
Other names: c.907T>G, p.Leu303Val (NM_001320928.2); short protein forms L303V.
Identifiers: ClinVar variation 1346871 (VCV001346871.8), dbSNP rs1845898420, ClinGen allele CA378153851.
Genomic context (GRCh38, chr10:100,218,021, plus strand): 5'-GCTGGTCTTATGCAGTAGACCCATTAAGACTAACCTTCAAATTCAAAATGTGATCCATTA[A>C]TACAAAACATCTTGGCTGCTTCAAAGTAAGGTCAACAGGTCCTCCTCTCTGCTGAGGGTC-3'
Protein context (NP_001269.3, residues 293-313): LTLKQPRCFV[Leu303Val]MDHILNLKIV